The following is an entry in ClinVar:

ClinVar aggregate classification (germline): Uncertain significance (1 of 4 stars; one submission).

Conditions:
Hereditary cancer-predisposing syndrome. Also called: Neoplastic Syndromes, Hereditary; Tumor predisposition; Hereditary Cancer Syndrome; Hereditary neoplastic syndrome. Identifiers: Orphanet 140162, MedGen C0027672, MeSH D009386, MONDO:0015356.

Submission:

Ambry Genetics
Classification: Uncertain significance for Hereditary cancer-predisposing syndrome. Last evaluated: 2025-10-10. Review status: criteria provided, single submitter. Criteria: Ambry Variant Classification Scheme 2023. Collection method: clinical testing. Allele origin: germline.
Comment: The p.V1312I variant (also known as c.3934G>A), located in coding exon 9 of the MSH6 gene, results from a G to A substitution at nucleotide position 3934. The valine at codon 1312 is replaced by isoleucine, an amino acid with highly similar properties. This amino acid position is conserved. In addition, the in silico prediction for this alteration is inconclusive. Based on the available evidence, the clinical significance of this variant remains unclear.

NM_000179.3(MSH6):c.3934G>A (p.Val1312Ile)

Gene: MSH6 (mutS homolog 6; plus strand). Cytogenetic location: 2p16.3.
Variant type: single nucleotide variant.
Coding change: c.3934G>A on transcript NM_000179.3 (MANE Select); coding-DNA position 3934, G replaced by A.
Protein change: p.Val1312Ile; replaces valine 1312 with isoleucine.
Molecular consequence: missense variant. On other transcripts: synonymous variant (1), non-coding transcript variant (5), intron variant (1).
Genome position (GRCh38, 1-based): chr2:47,806,584, G>A. VCF-style: chr2-47806584-G-A. GRCh37 (hg19) VCF-style: chr2-48033723-G-A.
Other names: c.3544G>A, p.Val1182Ile (NM_001281492.2); c.3028G>A, p.Val1010Ile (NM_001281493.2, NM_001281494.2, NM_001406811.1 and 6 more transcripts); c.4030G>A, p.Val1344Ile (NM_001406795.1); c.3934G>A, p.Val1312Ile (NM_001406796.1, NM_001406808.1, NM_001406809.1); c.3637G>A, p.Val1213Ile (NM_001406797.1, NM_001406801.1, NM_001406805.1 and 10 more transcripts); c.3760G>A, p.Val1254Ile (NM_001406798.1); c.3409G>A, p.Val1137Ile (NM_001406799.1, NM_001406806.1, NM_001406807.1); c.3921G>A, p.Lys1307= (NM_001406800.1); and 9 more; short protein forms V1010I, V1137I, V1213I, V1254I, V1344I, V239I, V1024I, V1182I.
Identifiers: ClinVar variation 4657687 (VCV004657687.1).
Genomic context (GRCh38, chr2:47,806,584, plus strand): 5'-GGAGCTTGTCCTAAAAGCTATGGCTTTAATGCAGCAAGGCTTGCTAATCTCCCAGAGGAA[G>A]TTATTCAAAAGGGACATAGAAAAGCAAGAGAATTTGAGAAGATGAATCAGTCACTACGAT-3'
Protein context (NP_000170.1, residues 1302-1322): AARLANLPEE[Val1312Ile]IQKGHRKARE